The following is an entry in ClinVar:

NM_000465.4(BARD1):c.2228G>T (p.Cys743Phe)

Gene: BARD1 (BRCA1 associated RING domain 1; minus strand). Cytogenetic location: 2q35.
Variant type: single nucleotide variant.
Coding change: c.2228G>T on transcript NM_000465.4 (MANE Select); coding-DNA position 2228, G replaced by T.
Protein change: p.Cys743Phe; replaces cysteine 743 with phenylalanine.
Molecular consequence: missense variant. On other transcripts: non-coding transcript variant (3).
Genome position (GRCh38, 1-based): chr2:214,728,782, C>A on the plus strand (G>T on the coding strand, the complement: BARD1 is on the minus strand). VCF-style: chr2-214728782-C-A. GRCh37 (hg19) VCF-style: chr2-215593506-C-A.
Other names: c.2171G>T, p.Cys724Phe (NM_001282543.2); c.875G>T, p.Cys292Phe (NM_001282545.2); c.818G>T, p.Cys273Phe (NM_001282548.2); c.689G>T, p.Cys230Phe (NM_001282549.2); short protein forms C230F, C292F, C273F, C724F, C743F.
Identifiers: ClinVar variation 5032782 (VCV005032782.1).

ClinVar aggregate classification (germline): Uncertain significance (1 of 4 stars; one submission).

Conditions:
Hereditary cancer-predisposing syndrome. Also called: Neoplastic Syndromes, Hereditary; Tumor predisposition; Hereditary neoplastic syndrome; Hereditary Cancer Syndrome. Identifiers: Orphanet 140162, MedGen C0027672, MeSH D009386, MONDO:0015356.

Submission:

Ambry Genetics
Classification: Uncertain significance for Hereditary cancer-predisposing syndrome. Last evaluated: 2026-07-04. Review status: criteria provided, single submitter. Criteria: Ambry Variant Classification Scheme 2023. Collection method: clinical testing. Allele origin: germline.
Comment: The p.C743F variant (also known as c.2228G>T), located in coding exon 11 of the BARD1 gene, results from a G to T substitution at nucleotide position 2228. The cysteine at codon 743 is replaced by phenylalanine, an amino acid with highly dissimilar properties. This amino acid position is conserved. In addition, this alteration is predicted to be tolerated by in silico analysis. Based on the available evidence, the clinical significance of this variant remains unclear.